The following is an entry in ClinVar:

ClinVar aggregate classification (germline): Uncertain significance (1 of 4 stars; one submission).

Submission:

GeneDx
Classification: Uncertain significance. Last evaluated: 2024-09-18. Review status: criteria provided, single submitter. Criteria: GeneDx Variant Classification Process June 2021. Collection method: clinical testing. Allele origin: germline. Affected: yes.
Comment: Not observed at significant frequency in large population cohorts (gnomAD); In silico analysis supports that this missense variant has a deleterious effect on protein structure/function; Has not been previously published as pathogenic or benign to our knowledge; This variant is associated with the following publications: (PMID: 29330883)

NM_001042681.2(RERE):c.4391A>C (p.His1464Pro)

Gene: RERE (arginine-glutamic acid dipeptide repeats; minus strand). Cytogenetic location: 1p36.23.
Variant type: single nucleotide variant.
Coding change: c.4391A>C on transcript NM_001042681.2 (MANE Select); coding-DNA position 4391, A replaced by C.
Protein change: p.His1464Pro; replaces histidine 1464 with proline.
Molecular consequence: missense variant.
Genome position (GRCh38, 1-based): chr1:8,356,195, T>G on the plus strand (A>C on the coding strand, the complement: RERE is on the minus strand). VCF-style: chr1-8356195-T-G. GRCh37 (hg19) VCF-style: chr1-8416255-T-G.
Other names: c.2729A>C, p.His910Pro (NM_001042682.2); c.4391A>C, p.His1464Pro (NM_012102.4); short protein forms H1464P, H910P.
Identifiers: ClinVar variation 3774089 (VCV003774089.1).